The following is an entry in ClinVar:

ClinVar aggregate classification (germline): Pathogenic (1 of 4 stars; one submission).

Allele frequency attached by ClinVar (database versions not stated): ESP Exome Variant Server 0.00016.
gnomAD v4.1: 16 of 1,589,628 alleles (0.001%); highest among the groups gnomAD compares: South Asian, 0.0011%; no homozygotes.

Submission:

Labcorp Genetics (formerly Invitae), Labcorp
Classification: Pathogenic. Last evaluated: 2023-07-03. Review status: criteria provided, single submitter. Criteria: Invitae Variant Classification Sherloc (09022015). Collection method: clinical testing. Allele origin: germline.
Comment: For these reasons, this variant has been classified as Pathogenic. ClinVar contains an entry for this variant (Variation ID: 1452145). This variant has not been reported in the literature in individuals affected with IFT74-related conditions. This variant is present in population databases (rs372505229, gnomAD 0.03%). This sequence change creates a premature translational stop signal (p.Arg402*) in the IFT74 gene. It is expected to result in an absent or disrupted protein product. Loss-of-function variants in IFT74 are known to be pathogenic (PMID: 33531668).

Literature cited by the submitters: PubMed 33531668.

NM_025103.4(IFT74):c.1204C>T (p.Arg402Ter)

Gene: IFT74 (intraflagellar transport 74; plus strand). Cytogenetic location: 9p21.2.
Variant type: single nucleotide variant.
Coding change: c.1204C>T on transcript NM_025103.4 (MANE Select); coding-DNA position 1204, C replaced by T.
Protein change: p.Arg402Ter; replaces arginine 402 with a stop codon.
Molecular consequence: nonsense.
Genome position (GRCh38, 1-based): chr9:27,047,369, C>T. VCF-style: chr9-27047369-C-T. GRCh37 (hg19) VCF-style: chr9-27047367-C-T.
Other names: c.1204C>T, p.Arg402Ter (NM_001099222.3, NM_001099223.3, NM_001349928.2); short protein forms R402*.
Identifiers: ClinVar variation 1452145 (VCV001452145.6), dbSNP rs372505229, ClinGen allele CA5015590.